The following is an entry in ClinVar:

ClinVar aggregate classification (germline): Likely benign. Review status: criteria provided, multiple submitters, no conflicts (2 of 4 stars). 2 submissions from 2 submitters: Likely benign (2). Last evaluated 2025-06-19.

Conditions:
MFSD8-related disorder. Also called: MFSD8-related condition.
Neuronal ceroid lipofuscinosis 7 (CLN7). Also called: MFSD8-Related Neuronal Ceroid-Lipofuscinosis. Identifiers: Orphanet 168491, Orphanet 228366, MedGen C1838571, MONDO:0012588, OMIM 610951.

Allele frequency attached by ClinVar (database versions not stated): gnomAD exomes below 0.00001 and 0.00001; ExAC 0.00002; gnomAD 0.00004 and 0.00005; TOPMed 0.00005; ESP Exome Variant Server 0.00008.
gnomAD v4.1: 12 of 1,614,108 alleles (0.00074%); highest among the groups gnomAD compares: African/African-American, 0.016%; no homozygotes.

Submissions (2):

Labcorp Genetics (formerly Invitae), Labcorp
Classification: Likely benign for Neuronal ceroid lipofuscinosis 7. Last evaluated: 2025-06-19. Review status: criteria provided, single submitter. Criteria: Invitae Variant Classification Sherloc (09022015). Collection method: clinical testing. Allele origin: germline.

PreventionGenetics, part of Exact Sciences
Classification: Likely benign for MFSD8-related condition. Last evaluated: 2025-02-11. Review status: criteria provided, single submitter. Criteria: ACMG Guidelines, 2015. Collection method: clinical testing. Allele origin: germline.
Comment: This variant is classified as likely benign based on ACMG/AMP sequence variant interpretation guidelines (Richards et al. 2015 PMID: 25741868, with internal and published modifications).

NM_001371596.2(MFSD8):c.1335A>G (p.Leu445=)

Gene: MFSD8 (major facilitator superfamily domain containing 8; minus strand). Cytogenetic location: 4q28.2.
Variant type: single nucleotide variant.
Coding change: c.1335A>G on transcript NM_001371596.2 (MANE Select); coding-DNA position 1335, A replaced by G.
Protein change: p.Leu445=; no amino-acid change (leucine 445 retained).
Molecular consequence: synonymous variant. On other transcripts: 3 prime UTR variant (1).
Genome position (GRCh38, 1-based): chr4:127,921,539, T>C on the plus strand (A>G on the coding strand, the complement: MFSD8 is on the minus strand). VCF-style: chr4-127921539-T-C. GRCh37 (hg19) VCF-style: chr4-128842694-T-C.
Other names: c.1134A>G, p.Leu378= (NM_001363520.3); c.1020A>G, p.Leu340= (NM_001363521.3); c.1200A>G, p.Leu400= (NM_001371590.2); c.1335A>G, p.Leu445= (NM_001371591.2, NM_152778.4); c.1341A>G, p.Leu447= (NM_001371592.2); c.1221A>G, p.Leu407= (NM_001371593.2); c.1188A>G, p.Leu396= (NM_001371594.2); c.1053A>G, p.Leu351= (NM_001371595.1); and 2 more.
Identifiers: ClinVar variation 700617 (VCV000700617.9), dbSNP rs145518709, ClinGen allele CA3077250.